The following is an entry in ClinVar:

ClinVar aggregate classification (germline): Uncertain significance (1 of 4 stars; one submission).

Conditions:
Joubert syndrome. Also called: CEREBELLOPARENCHYMAL DISORDER IV; JOUBERT-BOLTSHAUSER SYNDROME; Familial aplasia of the vermis. Identifiers: Orphanet 475, MedGen C5979921, MONDO:0018772.
Meckel-Gruber syndrome. Also called: DYSENCEPHALIA SPLANCHNOCYSTICA; GRUBER SYNDROME; Dysencephalia splachnocystica. Identifiers: Orphanet 564, MedGen C0265215, MONDO:0018921.

Allele frequency attached by ClinVar (database versions not stated): gnomAD 0.00001.

Submission:

Labcorp Genetics (formerly Invitae), Labcorp
Classification: Uncertain significance for Joubert syndrome; Meckel-Gruber syndrome. Last evaluated: 2022-03-11. Review status: criteria provided, single submitter. Criteria: Invitae Variant Classification Sherloc (09022015). Collection method: clinical testing. Allele origin: germline.
Comment: In summary, the available evidence is currently insufficient to determine the role of this variant in disease. Therefore, it has been classified as a Variant of Uncertain Significance. Variants that disrupt the consensus splice site are a relatively common cause of aberrant splicing (PMID: 17576681, 9536098). Algorithms developed to predict the effect of sequence changes on RNA splicing suggest that this variant is not likely to affect RNA splicing. This variant has not been reported in the literature in individuals affected with TCTN1-related conditions. This variant is present in population databases (no rsID available, gnomAD 0.007%). This sequence change falls in intron 7 of the TCTN1 gene. It does not directly change the encoded amino acid sequence of the TCTN1 protein. It affects a nucleotide within the consensus splice site.

Literature cited by the submitters: PubMed 17576681; PubMed 9536098.

NM_001082538.3(TCTN1):c.843+4A>G

Gene: TCTN1 (tectonic family member 1; plus strand). Cytogenetic location: 12q24.11.
Variant type: single nucleotide variant.
Coding change: c.843+4A>G on transcript NM_001082538.3 (MANE Select); 4 bases into the intron after coding-DNA position 843, A replaced by G.
Molecular consequence: intron variant.
Genome position (GRCh38, 1-based): chr12:110,636,505, A>G. VCF-style: chr12-110636505-A-G. GRCh37 (hg19) VCF-style: chr12-111074310-A-G.
Other names: c.675+4A>G (NM_001173975.3); c.663+4A>G (NM_001173976.2); c.309+4A>G (NM_001319681.2); c.801+4A>G (NM_024549.6); c.843+4A>G (NM_001082537.3, NM_001319680.2).
Identifiers: ClinVar variation 2067943 (VCV002067943.2), dbSNP rs1167962953, ClinGen allele CA607323388.